The following is an entry in ClinVar:

ClinVar aggregate classification (germline): Likely benign. Review status: criteria provided, multiple submitters, no conflicts (2 of 4 stars). 2 submissions from 2 submitters: Likely benign (2). Last evaluated 2024-01-01.

Conditions:
Charcot-Marie-Tooth disease. Also called: Charcot-Marie-Tooth Neuropathy; Charcot-Marie-Tooth Hereditary Neuropathy. Identifiers: Orphanet 166, MedGen C0007959, MONDO:0015626.

Allele frequency attached by ClinVar (database versions not stated): ExAC 0.00005; ESP Exome Variant Server 0.00008.
gnomAD v4.1: 3 of 1,510,978 alleles (0.0002%); highest among the groups gnomAD compares: Non-Finnish European, 0.00027%; no homozygotes.

Submissions (2):

CeGaT Center for Human Genetics Tuebingen
Classification: Likely benign. Last evaluated: 2024-01-01. Review status: criteria provided, single submitter. Criteria: CeGaT Center For Human Genetics Tuebingen Variant Classification Criteria Version 2. Collection method: clinical testing. Allele origin: germline. Affected: yes. Observed: 1 variant allele.
Comment: DNAJB2: BP4, BP7

Molecular Genetics Laboratory, London Health Sciences Centre
Classification: Likely benign for Charcot-Marie-Tooth disease. Review status: criteria provided, single submitter. Criteria: ACMG Guidelines, 2015. Collection method: clinical testing. Allele origin: germline. Affected: yes.

NM_006736.6(DNAJB2):c.966C>G (p.Leu322=)

Gene: DNAJB2 (DnaJ heat shock protein family (Hsp40) member B2; plus strand). Cytogenetic location: 2q35.
Variant type: single nucleotide variant.
Coding change: c.966C>G on transcript NM_006736.6 (MANE Select); coding-DNA position 966, C replaced by G.
Protein change: p.Leu322=; no amino-acid change (leucine 322 retained).
Molecular consequence: synonymous variant. On other transcripts: intron variant (1).
Genome position (GRCh38, 1-based): chr2:219,284,978, C>G. VCF-style: chr2-219284978-C-G. GRCh37 (hg19) VCF-style: chr2-220149700-C-G.
Other names: c.823+143C>G (NM_001039550.2).
Identifiers: ClinVar variation 917203 (VCV000917203.23), dbSNP rs375689394, ClinGen allele CA2123156.